The following is an entry in ClinVar:

NM_000089.4(COL1A2):c.1612-7C>G

Gene: COL1A2 (collagen type I alpha 2 chain; plus strand). Cytogenetic location: 7q21.3.
Variant type: single nucleotide variant.
Coding change: c.1612-7C>G on transcript NM_000089.4 (MANE Select); 7 bases into the intron before coding-DNA position 1612, C replaced by G.
Molecular consequence: intron variant.
Genome position (GRCh38, 1-based): chr7:94,413,887, C>G. VCF-style: chr7-94413887-C-G. GRCh37 (hg19) VCF-style: chr7-94043199-C-G.
Identifiers: ClinVar variation 3767092 (VCV003767092.1).

ClinVar aggregate classification (germline): Uncertain significance (1 of 4 stars; one submission).

Submission:

ARUP Laboratories, Molecular Genetics and Genomics, ARUP Laboratories
Classification: Uncertain significance. Last evaluated: 2024-02-07. Review status: criteria provided, single submitter. Criteria: ARUP Molecular Germline Variant Investigation Process 2024. Collection method: clinical testing. Allele origin: germline.
Comment: The COL1A2 c.1612-7C>G variant, to our knowledge, is not reported in the medical literature or gene specific databases. This variant is also absent from the Genome Aggregation Database (v2.1.1), indicating it is not a common polymorphism. This is an intronic variant in a weakly conserved nucleotide, but computational analyses (Alamut Visual Plus v.1.5.1) predict that this variant may impact splicing by creating a novel cryptic acceptor splice site. If this cryptic site is used, it is predicted to be in-frame and would disrupt the Gly-X-Y sequence motif of the collagen triple helix, however further study is needed to determine the functional impact (Ben Amor 2011). Given the lack of clinical and functional data, the significance of the c.1612-7C>G variant is uncertain at this time. References: Ben Amor I et al. Genotype-phenotype correlations in autosomal dominant osteogenesis imperfecta. J Osteoporos. 2011; 2011:540178. PMID: 21912751.